The following is an entry in ClinVar:

ClinVar aggregate classification (germline): Pathogenic (1 of 4 stars; one submission).

Conditions:
Brain small vessel disease 1 with or without ocular anomalies (BSVD1). Also called: PORENCEPHALY, TYPE 1, AUTOSOMAL DOMINANT; Brain small vessel disease with or without ocular anomalies; BRAIN SMALL VESSEL DISEASE WITH HEMORRHAGE; GOULD SYNDROME 1. Identifiers: Orphanet 2940, Orphanet 36383, Orphanet 99810, MedGen C4755307, MONDO:0008289, OMIM 175780.

Submission:

Institute of Human Genetics, University of Leipzig Medical Center
Classification: Pathogenic for Brain small vessel disease 1 with or without ocular anomalies. Last evaluated: 2025-03-04. Review status: criteria provided, single submitter. Criteria: ACMG Guidelines, 2015. Collection method: clinical testing. Allele origin: paternal. Inheritance: Autosomal dominant inheritance. Affected: yes.
Comment: Criteria applied: PVS1,PM2

NM_001845.6(COL4A1):c.772G>T (p.Gly258Ter)

Gene: COL4A1 (collagen type IV alpha 1 chain; minus strand). Cytogenetic location: 13q34.
Variant type: single nucleotide variant.
Coding change: c.772G>T on transcript NM_001845.6 (MANE Select); coding-DNA position 772, G replaced by T.
Protein change: p.Gly258Ter; replaces glycine 258 with a stop codon.
Molecular consequence: nonsense.
Genome position (GRCh38, 1-based): chr13:110,207,411, C>A on the plus strand (G>T on the coding strand, the complement: COL4A1 is on the minus strand). VCF-style: chr13-110207411-C-A. GRCh37 (hg19) VCF-style: chr13-110859758-C-A.
Other names: c.772G>T, p.Gly258Ter (NM_001303110.2); short protein forms G258*.
Identifiers: ClinVar variation 3773683 (VCV003773683.2).